The following is an entry in ClinVar:

NM_002524.5(NRAS):c.370A>G (p.Thr124Ala)

Gene: NRAS (NRAS proto-oncogene, GTPase; minus strand). Cytogenetic location: 1p13.2.
Variant type: single nucleotide variant.
Coding change: c.370A>G on transcript NM_002524.5 (MANE Select); coding-DNA position 370, A replaced by G.
Protein change: p.Thr124Ala; replaces threonine 124 with alanine.
Molecular consequence: missense variant.
Genome position (GRCh38, 1-based): chr1:114,709,649, T>C on the plus strand (A>G on the coding strand, the complement: NRAS is on the minus strand). VCF-style: chr1-114709649-T-C. GRCh37 (hg19) VCF-style: chr1-115252270-T-C.
Other names: short protein forms T124A.
Identifiers: ClinVar variation 1203810 (VCV001203810.11), dbSNP rs747732620, ClinGen allele CA1020721.

ClinVar aggregate classification (germline): Conflicting classifications of pathogenicity. Review status: criteria provided, conflicting classifications (1 of 4 stars). 2 submissions from 2 submitters: Uncertain significance (1); Likely benign (1). Last evaluated 2024-11-13.

Conditions:
RASopathy. Also called: Noonan spectrum disorder; rasopathies. Identifiers: Orphanet 536391, MedGen C5555857, MONDO:0021060.

Allele frequency attached by ClinVar (database versions not stated): gnomAD exomes 0.00001; TOPMed 0.00001.
gnomAD v4.1: 19 of 1,613,796 alleles (0.0012%); highest among the groups gnomAD compares: Non-Finnish European, 0.0014%; 1 homozygote.

Submissions (2):

Labcorp Genetics (formerly Invitae), Labcorp
Classification: Uncertain significance for RASopathy. Last evaluated: 2024-11-13. Review status: criteria provided, single submitter. Criteria: Invitae Variant Classification Sherloc (09022015). Collection method: clinical testing. Allele origin: germline.
Comment: This sequence change replaces threonine, which is neutral and polar, with alanine, which is neutral and non-polar, at codon 124 of the NRAS protein (p.Thr124Ala). This variant is present in population databases (rs747732620, gnomAD 0.002%). This variant has not been reported in the literature in individuals affected with NRAS-related conditions. ClinVar contains an entry for this variant (Variation ID: 1203810). Invitae Evidence Modeling of protein sequence and biophysical properties (such as structural, functional, and spatial information, amino acid conservation, physicochemical variation, residue mobility, and thermodynamic stability) indicates that this missense variant is not expected to disrupt NRAS protein function with a negative predictive value of 95%. In summary, the available evidence is currently insufficient to determine the role of this variant in disease. Therefore, it has been classified as a Variant of Uncertain Significance.

GeneDx
Classification: Likely benign. Last evaluated: 2019-04-09. Review status: criteria provided, single submitter. Criteria: GeneDx Variant Classification Process June 2021. Collection method: clinical testing. Allele origin: germline. Affected: yes.